The following is an entry in ClinVar:

NM_000069.3(CACNA1S):c.4545T>A (p.Asp1515Glu)

Gene: CACNA1S (calcium voltage-gated channel subunit alpha1 S; minus strand). Cytogenetic location: 1q32.1.
Variant type: single nucleotide variant.
Coding change: c.4545T>A on transcript NM_000069.3 (MANE Select); coding-DNA position 4545, T replaced by A.
Protein change: p.Asp1515Glu; replaces aspartic acid 1515 with glutamic acid.
Molecular consequence: missense variant.
Genome position (GRCh38, 1-based): chr1:201,047,238, A>T on the plus strand (T>A on the coding strand, the complement: CACNA1S is on the minus strand). VCF-style: chr1-201047238-A-T. GRCh37 (hg19) VCF-style: chr1-201016366-A-T.
Other names: short protein forms D1515E.
Identifiers: ClinVar variation 1810138 (VCV001810138.1), dbSNP rs2464429629, ClinGen allele CA344142656.

ClinVar aggregate classification (germline): Uncertain significance (1 of 4 stars; one submission).

Submission:

GeneDx
Classification: Uncertain significance. Last evaluated: 2022-07-01. Review status: criteria provided, single submitter. Criteria: GeneDx Variant Classification Process June 2021. Collection method: clinical testing. Allele origin: germline. Affected: yes.
Comment: Not observed at significant frequency in large population cohorts (gnomAD); In silico analysis supports that this missense variant has a deleterious effect on protein structure/function; Has not been previously published as pathogenic or benign to our knowledge; In silico analysis, which includes splice predictors and evolutionary conservation, suggests this variant may impact gene splicing. In the absence of RNA/functional studies, the actual effect of this sequence change is unknown.